The following is an entry in ClinVar:

NM_000089.4(COL1A2):c.2347C>A (p.Pro783Thr)

Gene: COL1A2 (collagen type I alpha 2 chain; plus strand). Cytogenetic location: 7q21.3.
Variant type: single nucleotide variant.
Coding change: c.2347C>A on transcript NM_000089.4 (MANE Select); coding-DNA position 2347, C replaced by A.
Protein change: p.Pro783Thr; replaces proline 783 with threonine.
Molecular consequence: missense variant.
Genome position (GRCh38, 1-based): chr7:94,421,060, C>A. VCF-style: chr7-94421060-C-A. GRCh37 (hg19) VCF-style: chr7-94050372-C-A.
Other names: short protein forms P783T.
Identifiers: ClinVar variation 3762272 (VCV003762272.2).
Genomic context (GRCh38, chr7:94,421,060, plus strand): 5'-TGCATTTAGGGTCCAAATGGTCCCCCCGGTCCTGCTGGAAGTCGTGGTGATGGAGGCCCC[C>A]CTGTGAGTATTTACAATGGACTCTCGCCGCTTTTCTTTTTTCAGAATCTATTAAGGACAC-3'
Protein context (NP_000080.2, residues 773-793): PAGSRGDGGP[Pro783Thr]GMTGFPGAAG

ClinVar aggregate classification (germline): Uncertain significance (1 of 4 stars; one submission).

Conditions:
Ehlers-Danlos syndrome, classic type, 1 (EDSCL1). Also called: EHLERS-DANLOS SYNDROME, GRAVIS TYPE; EHLERS-DANLOS SYNDROME, SEVERE CLASSIC TYPE; Ehlers-Danlos syndrome, type 1; Ehlers-Danlos Syndrome, Classic Type, COL5A1-Related; EDS I. Identifiers: MedGen C0268335, MONDO:0019567, OMIM 130000.
Osteogenesis imperfecta type I (OI1). Also called: OI, TYPE I; OSTEOGENESIS IMPERFECTA TARDA; OSTEOGENESIS IMPERFECTA WITH BLUE SCLERAE; Osteogenesis imperfecta type 1; Lobstein's Disease; Lobstein disease. Identifiers: Orphanet 216796, Orphanet 666, MedGen C0023931, MONDO:0008146, OMIM 166200. Disease mechanism: loss of function.

Submission:

Labcorp Genetics (formerly Invitae), Labcorp
Classification: Uncertain significance for Osteogenesis imperfecta type I; Ehlers-Danlos syndrome, classic type, 1. Last evaluated: 2025-01-11. Review status: criteria provided, single submitter. Criteria: Invitae Variant Classification Sherloc (09022015). Collection method: clinical testing. Allele origin: germline.
Comment: This sequence change replaces proline, which is neutral and non-polar, with threonine, which is neutral and polar, at codon 783 of the COL1A2 protein (p.Pro783Thr). This variant is present in population databases (no rsID available, gnomAD 0.0009%). This variant has not been reported in the literature in individuals affected with COL1A2-related conditions. Experimental studies and prediction algorithms are not available or were not evaluated, and the functional significance of this variant is currently unknown. In summary, the available evidence is currently insufficient to determine the role of this variant in disease. Therefore, it has been classified as a Variant of Uncertain Significance.